The following is an entry in ClinVar:

NM_000082.4(ERCC8):c.1017C>A (p.Cys339Ter)

Gene: ERCC8 (ERCC excision repair 8, CSA ubiquitin ligase complex subunit; minus strand). Cytogenetic location: 5q12.1.
Variant type: single nucleotide variant.
Coding change: c.1017C>A on transcript NM_000082.4 (MANE Select); coding-DNA position 1017, C replaced by A.
Protein change: p.Cys339Ter; replaces cysteine 339 with a stop codon.
Molecular consequence: nonsense.
Genome position (GRCh38, 1-based): chr5:60,890,913, G>T on the plus strand (C>A on the coding strand, the complement: ERCC8 is on the minus strand). VCF-style: chr5-60890913-G-T. GRCh37 (hg19) VCF-style: chr5-60186740-G-T.
Other names: c.843C>A, p.Cys281Ter (NM_001007233.3); c.558C>A, p.Cys186Ter (NM_001290285.2); short protein forms C339*, C281*, C186*.
Identifiers: ClinVar variation 596166 (VCV000596166.13), dbSNP rs753663016, ClinGen allele CA3277661.

ClinVar aggregate classification (germline): Pathogenic. Review status: criteria provided, multiple submitters, no conflicts (2 of 4 stars). 2 submissions from 2 submitters: Pathogenic (2). Last evaluated 2023-11-24.

Allele frequency attached by ClinVar (database versions not stated): gnomAD exomes 0.00001 and 0.00002; ExAC 0.00002; TOPMed 0.00002; gnomAD 0.00003.

Submissions (2):

Labcorp Genetics (formerly Invitae), Labcorp
Classification: Pathogenic. Last evaluated: 2023-11-24. Review status: criteria provided, single submitter. Criteria: Invitae Variant Classification Sherloc (09022015). Collection method: clinical testing. Allele origin: germline.
Comment: This sequence change creates a premature translational stop signal (p.Cys339*) in the ERCC8 gene. It is expected to result in an absent or disrupted protein product. Loss-of-function variants in ERCC8 are known to be pathogenic (PMID: 29572252). This variant is present in population databases (rs753663016, gnomAD 0.06%). This variant has not been reported in the literature in individuals affected with ERCC8-related conditions. ClinVar contains an entry for this variant (Variation ID: 596166). For these reasons, this variant has been classified as Pathogenic.

Eurofins Ntd Llc (ga)
Classification: Pathogenic. Last evaluated: 2018-02-14. Review status: criteria provided, single submitter. Criteria: EGL ClinVar v180209 classification definitions. Collection method: clinical testing. Allele origin: germline. Observed: 1 variant allele, 1 heterozygote.

Literature cited by the submitters: PubMed 29572252 (cited by Labcorp Genetics (formerly Invitae), Labcorp).